The following is an entry in ClinVar:

NM_001458.5(FLNC):c.7390C>G (p.His2464Asp)

Genes: FLNC-AS1 (FLNC antisense RNA 1; minus strand), FLNC (filamin C; plus strand). Cytogenetic location: 7q32.1.
Variant type: single nucleotide variant.
Coding change: c.7390C>G on transcript NM_001458.5 (MANE Select); coding-DNA position 7390, C replaced by G.
Protein change: p.His2464Asp; replaces histidine 2464 with aspartic acid.
Molecular consequence: missense variant.
Genome position (GRCh38, 1-based): chr7:128,856,750, C>G. VCF-style: chr7-128856750-C-G. GRCh37 (hg19) VCF-style: chr7-128496804-C-G.
Other names: c.7291C>G, p.His2431Asp (NM_001127487.2); short protein forms H2431D, H2464D.
Identifiers: ClinVar variation 662234 (VCV000662234.9), dbSNP rs1269055454, ClinGen allele CA369217184.

ClinVar aggregate classification (germline): Conflicting classifications of pathogenicity. Review status: criteria provided, conflicting classifications (1 of 4 stars). 2 submissions from 2 submitters: Uncertain significance (1); Likely benign (1). Last evaluated 2026-07-07.

Conditions:
Myofibrillar myopathy 5. Also called: Filaminopathy (type); FILAMINOPATHY, AUTOSOMAL DOMINANT. Identifiers: Orphanet 171445, MedGen C1836050, MONDO:0012289, OMIM 609524.
Distal myopathy with posterior leg and anterior hand involvement. Also called: WILLIAMS DISTAL MYOPATHY. Identifiers: Orphanet 63273, MedGen C3279722, MONDO:0013550, OMIM 614065.
Hypertrophic cardiomyopathy 26. Also called: Cardiomyopathy, familial hypertrophic, 26. Identifiers: Orphanet 75249, MedGen C4310749, MONDO:0014883, OMIM 617047.
Cardiovascular phenotype. Identifiers: MedGen CN230736.

Allele frequency attached by ClinVar (database versions not stated): gnomAD exomes 0.00001.
gnomAD v4.1: 9 of 1,614,188 alleles (0.00056%); highest among the groups gnomAD compares: Middle Eastern, 0.033%; no homozygotes.

Submissions (2):

Ambry Genetics
Classification: Uncertain significance for Cardiovascular phenotype. Last evaluated: 2026-07-07. Review status: criteria provided, single submitter. Criteria: Ambry Variant Classification Scheme 2023. Collection method: clinical testing. Allele origin: germline.
Comment: The p.H2464D variant (also known as c.7390C>G), located in coding exon 45 of the FLNC gene, results from a C to G substitution at nucleotide position 7390. The histidine at codon 2464 is replaced by aspartic acid, an amino acid with similar properties. This amino acid position is conserved. In addition, the in silico prediction for this alteration is inconclusive. Based on the available evidence, the clinical significance of this variant remains unclear.

Labcorp Genetics (formerly Invitae), Labcorp
Classification: Likely benign for Distal myopathy with posterior leg and anterior hand involvement; Myofibrillar myopathy 5; Hypertrophic cardiomyopathy 26. Last evaluated: 2024-05-22. Review status: criteria provided, single submitter. Criteria: Invitae Variant Classification Sherloc (09022015). Collection method: clinical testing. Allele origin: germline.